The following is an entry in ClinVar:

NM_001134407.3(GRIN2A):c.2546T>G (p.Phe849Cys)

Gene: GRIN2A (glutamate ionotropic receptor NMDA type subunit 2A; minus strand). Cytogenetic location: 16p13.2.
Variant type: single nucleotide variant.
Coding change: c.2546T>G on transcript NM_001134407.3 (MANE Select); coding-DNA position 2546, T replaced by G.
Protein change: p.Phe849Cys; replaces phenylalanine 849 with cysteine.
Molecular consequence: missense variant.
Genome position (GRCh38, 1-based): chr16:9,768,900, A>C on the plus strand (T>G on the coding strand, the complement: GRIN2A is on the minus strand). VCF-style: chr16-9768900-A-C. GRCh37 (hg19) VCF-style: chr16-9862757-A-C.
Other names: c.2546T>G, p.Phe849Cys (NM_000833.5, NM_001134408.2); short protein forms F849C.
Identifiers: ClinVar variation 1310980 (VCV001310980.6), dbSNP rs1901086856, ClinGen allele CA394709894.
Genomic context (GRCh38, chr16:9,768,900, plus strand): 5'-GGTGTACTGACCCTGCTGATGGAGAAGAGCAACCCAGGCCGGTCGGAGCACACGCCCGTG[A>C]AACAGAAGCGCAGCTTCCAGTAGAAGAGGTGCTCCCAGATGAAGGTGATGAGGCTAAGGG-3'
Protein context (NP_001127879.1, residues 839-859): HLFYWKLRFC[Phe849Cys]TGVCSDRPGL

ClinVar aggregate classification (germline): Uncertain significance. Review status: criteria provided, multiple submitters, no conflicts (2 of 4 stars). 3 submissions from 3 submitters: Uncertain significance (3). Last evaluated 2024-07-10.

Conditions:
Landau-Kleffner syndrome (FESD). Also called: EPILEPSY, FOCAL, WITH SPEECH DISORDER AND WITH OR WITHOUT MENTAL RETARDATION; APHASIA, ACQUIRED, WITH EPILEPSY. Identifiers: Orphanet 1945, Orphanet 725, Orphanet 98818, MedGen C0282512, MONDO:0009509, OMIM 245570.

Allele frequency attached by ClinVar (database versions not stated): TOPMed below 0.00001; gnomAD exomes 0.00001.
gnomAD v4.1: 9 of 1,614,238 alleles (0.00056%); highest among the groups gnomAD compares: Non-Finnish European, 0.00076%; no homozygotes.

Submissions (3):

Blueprint Genetics
Classification: Uncertain significance. Last evaluated: 2024-07-10. Review status: criteria provided, single submitter. Criteria: ACMG Guidelines, 2015. Collection method: clinical testing. Allele origin: germline.

Labcorp Genetics (formerly Invitae), Labcorp
Classification: Uncertain significance for Landau-Kleffner syndrome. Last evaluated: 2023-03-04. Review status: criteria provided, single submitter. Criteria: Invitae Variant Classification Sherloc (09022015). Collection method: clinical testing. Allele origin: germline.
Comment: This sequence change replaces phenylalanine, which is neutral and non-polar, with cysteine, which is neutral and slightly polar, at codon 849 of the GRIN2A protein (p.Phe849Cys). This variant is not present in population databases (gnomAD no frequency). This variant has not been reported in the literature in individuals affected with GRIN2A-related conditions. ClinVar contains an entry for this variant (Variation ID: 1310980). Advanced modeling of protein sequence and biophysical properties (such as structural, functional, and spatial information, amino acid conservation, physicochemical variation, residue mobility, and thermodynamic stability) performed at Invitae indicates that this missense variant is not expected to disrupt GRIN2A protein function. In summary, the available evidence is currently insufficient to determine the role of this variant in disease. Therefore, it has been classified as a Variant of Uncertain Significance.

GeneDx
Classification: Uncertain significance. Last evaluated: 2019-12-16. Review status: criteria provided, single submitter. Criteria: GeneDx Variant Classification Process June 2021. Collection method: clinical testing. Allele origin: germline. Affected: yes.
Comment: Not observed in large population cohorts (Lek et al., 2016); In silico analysis, which includes protein predictors and evolutionary conservation, supports a deleterious effect; Has not been previously published as pathogenic or benign to our knowledge